The following is an entry in ClinVar:

ClinVar aggregate classification (germline): Uncertain significance (1 of 4 stars; one submission).

Allele frequency attached by ClinVar (database versions not stated): gnomAD exomes 0.00002 and 0.00004; TOPMed 0.00003; ExAC 0.00004; gnomAD 0.00004; 1000 Genomes Project 30x 0.00016; 1000 Genomes Project 0.00020.
gnomAD v4.1: 37 of 1,614,104 alleles (0.0023%); highest among the groups gnomAD compares: African/African-American, 0.004%; no homozygotes.

Submission:

Labcorp Genetics (formerly Invitae), Labcorp
Classification: Uncertain significance. Last evaluated: 2021-12-22. Review status: criteria provided, single submitter. Criteria: Invitae Variant Classification Sherloc (09022015). Collection method: clinical testing. Allele origin: germline.
Comment: This sequence change replaces arginine, which is basic and polar, with tryptophan, which is neutral and slightly polar, at codon 1509 of the FAT4 protein (p.Arg1509Trp). This variant is present in population databases (rs200214434, gnomAD 0.006%). This variant has not been reported in the literature in individuals affected with FAT4-related conditions. Advanced modeling of protein sequence and biophysical properties (such as structural, functional, and spatial information, amino acid conservation, physicochemical variation, residue mobility, and thermodynamic stability) performed at Invitae indicates that this missense variant is not expected to disrupt FAT4 protein function. In summary, the available evidence is currently insufficient to determine the role of this variant in disease. Therefore, it has been classified as a Variant of Uncertain Significance.

NM_001291303.3(FAT4):c.4525C>T (p.Arg1509Trp)

Gene: FAT4 (FAT atypical cadherin 4; plus strand). Cytogenetic location: 4q28.1.
Variant type: single nucleotide variant.
Coding change: c.4525C>T on transcript NM_001291303.3 (MANE Select); coding-DNA position 4525, C replaced by T.
Protein change: p.Arg1509Trp; replaces arginine 1509 with tryptophan.
Molecular consequence: missense variant.
Genome position (GRCh38, 1-based): chr4:125,320,936, C>T. VCF-style: chr4-125320936-C-T. GRCh37 (hg19) VCF-style: chr4-126242091-C-T.
Other names: c.4525C>T, p.Arg1509Trp (NM_001291285.3, NM_024582.6); short protein forms R1509W.
Identifiers: ClinVar variation 1397274 (VCV001397274.5), dbSNP rs200214434, ClinGen allele CA3072477.